The following is an entry in ClinVar:

NM_015557.3(CHD5):c.2181G>A (p.Met727Ile)

Gene: CHD5 (chromodomain helicase DNA binding protein 5; minus strand). Cytogenetic location: 1p36.31.
Variant type: single nucleotide variant.
Coding change: c.2181G>A on transcript NM_015557.3 (MANE Select); coding-DNA position 2181, G replaced by A.
Protein change: p.Met727Ile; replaces methionine 727 with isoleucine.
Molecular consequence: missense variant.
Genome position (GRCh38, 1-based): chr1:6,142,468, C>T on the plus strand (G>A on the coding strand, the complement: CHD5 is on the minus strand). VCF-style: chr1-6142468-C-T. GRCh37 (hg19) VCF-style: chr1-6202528-C-T.
Other names: short protein forms M727I.
Identifiers: ClinVar variation 3898545 (VCV003898545.7).

ClinVar aggregate classification (germline): Uncertain significance (1 of 4 stars; one submission).

Submission:

CeGaT Center for Human Genetics Tuebingen
Classification: Uncertain significance. Last evaluated: 2025-04-01. Review status: criteria provided, single submitter. Criteria: CeGaT Center For Human Genetics Tuebingen Variant Classification Criteria Version 2. Collection method: clinical testing. Allele origin: germline. Affected: yes. Observed: 3 variant alleles.
Comment: CHD5: PM2, PP2, PP3